The following is an entry in ClinVar:

NM_021628.3(ALOXE3):c.*392G>A

Gene: ALOXE3 (arachidonate epidermal lipoxygenase 3; minus strand). Cytogenetic location: 17p13.1.
Variant type: single nucleotide variant.
Coding change: c.*392G>A on transcript NM_021628.3 (MANE Select); 392 bases downstream of the stop codon, G replaced by A.
Molecular consequence: 3 prime UTR variant.
Genome position (GRCh38, 1-based): chr17:8,096,235, C>T on the plus strand (G>A on the coding strand, the complement: ALOXE3 is on the minus strand). VCF-style: chr17-8096235-C-T. GRCh37 (hg19) VCF-style: chr17-7999553-C-T.
Other names: c.*392G>A (NM_001165960.1, NM_001369446.1).
Identifiers: ClinVar variation 325947 (VCV000325947.5), dbSNP rs188419202, ClinGen allele CA10647120.

ClinVar aggregate classification (germline): Likely benign (1 of 4 stars; one submission).

Conditions:
Autosomal recessive congenital ichthyosis 3 (ARCI3). Also called: ICHTHYOSIS, LAMELLAR, 5. Identifiers: MedGen C3539888, MONDO:0011680, OMIM 606545.

Allele frequency attached by ClinVar (database versions not stated): gnomAD 0.00193 and 0.00210; TOPMed 0.00217; 1000 Genomes Project 30x 0.00265; 1000 Genomes Project 0.00339.
gnomAD v4.1: 298 of 207,252 alleles (0.14%); highest among the groups gnomAD compares: African/African-American, 0.65%; no homozygotes.

Submission:

Illumina Laboratory Services, Illumina
Classification: Likely benign for Autosomal recessive congenital ichthyosis 3. Last evaluated: 2018-01-13. Review status: criteria provided, single submitter. Criteria: ICSL Variant Classification Criteria 13 December 2019. Collection method: clinical testing. Allele origin: germline.
Comment: This variant was observed in the ICSL laboratory as part of a predisposition screen in an ostensibly healthy population. It had not been previously curated by ICSL or reported in the Human Gene Mutation Database (HGMD: prior to June 1st, 2018), and was therefore a candidate for classification through an automated scoring system. Utilizing variant allele frequency, disease prevalence and penetrance estimates, and inheritance mode, an automated score was calculated to assess if this variant is too frequent to cause the disease. Based on the score and internal cut-off values, a variant classified as likely benign is not then subjected to further curation. The score for this variant resulted in a classification of likely benign for this disease.